The following is an entry in ClinVar:

ClinVar aggregate classification (germline): Uncertain significance (1 of 4 stars; one submission).

Conditions:
Hereditary cancer-predisposing syndrome. Also called: Tumor predisposition; Neoplastic Syndromes, Hereditary; Hereditary neoplastic syndrome; Hereditary Cancer Syndrome. Identifiers: Orphanet 140162, MedGen C0027672, MeSH D009386, MONDO:0015356.

Submission:

Color Diagnostics, LLC DBA Color Health
Classification: Uncertain significance for Hereditary cancer-predisposing syndrome. Last evaluated: 2023-12-05. Review status: criteria provided, single submitter. Criteria: ACMG Guidelines, 2015. Collection method: clinical testing. Allele origin: germline.
Comment: This missense variant replaces aspartic acid with glutamic acid at codon 2763 of the BRCA2 protein. Computational prediction suggests that this variant may not impact protein structure and function (internally defined REVEL score threshold <= 0.5, PMID: 27666373). To our knowledge, functional studies have not been reported for this variant. This variant has not been reported in individuals affected with BRCA2-related disorders in the literature. This variant has not been identified in the general population by the Genome Aggregation Database (gnomAD). The available evidence is insufficient to determine the role of this variant in disease conclusively. Therefore, this variant is classified as a Variant of Uncertain Significance.

NM_000059.4(BRCA2):c.8289T>G (p.Asp2763Glu)

Gene: BRCA2 (BRCA2 DNA repair associated; plus strand). Cytogenetic location: 13q13.1.
Variant type: single nucleotide variant.
Coding change: c.8289T>G on transcript NM_000059.4 (MANE Select); coding-DNA position 8289, T replaced by G.
Protein change: p.Asp2763Glu; replaces aspartic acid 2763 with glutamic acid.
Molecular consequence: missense variant.
Genome position (GRCh38, 1-based): chr13:32,363,491, T>G. VCF-style: chr13-32363491-T-G. GRCh37 (hg19) VCF-style: chr13-32937628-T-G.
Other names: short protein forms D2763E.
Identifiers: ClinVar variation 631351 (VCV000631351.5), dbSNP rs1566245847, ClinGen allele CA387750122.